The following is an entry in ClinVar:

ClinVar aggregate classification (germline): Uncertain significance. Review status: criteria provided, multiple submitters, no conflicts (2 of 4 stars). 2 submissions from 2 submitters: Uncertain significance (2). Last evaluated 2025-10-08.

Conditions:
Chronic kidney disease. Identifiers: MedGen C1561643, MONDO:0005300, HP:0012622.

Allele frequency attached by ClinVar (database versions not stated): 1000 Genomes Project 30x 0.00016; 1000 Genomes Project 0.00020; TOPMed 0.00056; gnomAD 0.00067 and 0.00071; ESP Exome Variant Server 0.00077; ExAC 0.00093.
gnomAD v4.1: 1,402 of 1,610,098 alleles (0.087%); highest among the groups gnomAD compares: Non-Finnish European, 0.11%; no homozygotes.

Submissions (2):

Labcorp Genetics (formerly Invitae), Labcorp
Classification: Uncertain significance. Last evaluated: 2025-10-08. Review status: criteria provided, single submitter. Criteria: Invitae Variant Classification Sherloc (09022015). Collection method: clinical testing. Allele origin: germline.
Comment: This sequence change replaces aspartic acid, which is acidic and polar, with tyrosine, which is neutral and polar, at codon 926 of the DSTYK protein (p.Asp926Tyr). This variant is present in population databases (rs148542303, gnomAD 0.1%), and has an allele count higher than expected for a pathogenic variant. This variant has not been reported in the literature in individuals affected with DSTYK-related conditions. ClinVar contains an entry for this variant (Variation ID: 915849). An algorithm developed to predict the effect of missense changes on protein structure and function (PolyPhen-2) suggests that this variant is likely to be disruptive. In summary, the available evidence is currently insufficient to determine the role of this variant in disease. Therefore, it has been classified as a Variant of Uncertain Significance.

Cavalleri Lab, Royal College of Surgeons in Ireland
Classification: Uncertain significance for Chronic kidney disease. Last evaluated: 2020-05-28. Review status: criteria provided, single submitter. Criteria: ACMG Guidelines, 2015. Collection method: research. Allele origin: unknown. Inheritance: Autosomal dominant inheritance. Affected: yes.
Comment: PP3, BS1

NM_015375.3(DSTYK):c.2776G>T (p.Asp926Tyr)

Gene: DSTYK (dual serine/threonine and tyrosine protein kinase; minus strand). Cytogenetic location: 1q32.1.
Variant type: single nucleotide variant.
Coding change: c.2776G>T on transcript NM_015375.3 (MANE Select); coding-DNA position 2776, G replaced by T.
Protein change: p.Asp926Tyr; replaces aspartic acid 926 with tyrosine.
Molecular consequence: missense variant.
Genome position (GRCh38, 1-based): chr1:205,147,572, C>A on the plus strand (G>T on the coding strand, the complement: DSTYK is on the minus strand). VCF-style: chr1-205147572-C-A. GRCh37 (hg19) VCF-style: chr1-205116700-C-A.
Other names: c.2641G>T, p.Asp881Tyr (NM_199462.3); short protein forms D881Y, D926Y.
Identifiers: ClinVar variation 915849 (VCV000915849.9), dbSNP rs148542303, ClinGen allele CA1352506.